The following is an entry in ClinVar:

ClinVar aggregate classification (germline): Uncertain significance (1 of 4 stars; one submission).

Conditions:
Cardiovascular phenotype. Identifiers: MedGen CN230736.

gnomAD v4.1: 2 of 1,612,352 alleles (0.00012%); highest among the groups gnomAD compares: East Asian, 0.0022%; no homozygotes.

Submission:

Ambry Genetics
Classification: Uncertain significance for Cardiovascular phenotype. Last evaluated: 2026-08-24. Review status: criteria provided, single submitter. Criteria: Ambry Variant Classification Scheme 2023. Collection method: clinical testing. Allele origin: germline.
Comment: The p.P1150S variant (also known as c.3448C>T), located in coding exon 47 of the COL1A1 gene, results from a C to T substitution at nucleotide position 3448. The proline at codon 1150 is replaced by serine, an amino acid with similar properties. This amino acid position is conserved. In addition, the in silico prediction for this alteration is inconclusive. Based on the available evidence, the clinical significance of this variant remains unclear.

NM_000088.4(COL1A1):c.3448C>T (p.Pro1150Ser)

Gene: COL1A1 (collagen type I alpha 1 chain; minus strand). Cytogenetic location: 17q21.33.
Variant type: single nucleotide variant.
Coding change: c.3448C>T on transcript NM_000088.4 (MANE Select); coding-DNA position 3448, C replaced by T.
Protein change: p.Pro1150Ser; replaces proline 1150 with serine.
Molecular consequence: missense variant.
Genome position (GRCh38, 1-based): chr17:50,187,098, G>A on the plus strand (C>T on the coding strand, the complement: COL1A1 is on the minus strand). VCF-style: chr17-50187098-G-A. GRCh37 (hg19) VCF-style: chr17-48264459-G-A.
Other names: short protein forms P1150S.
Identifiers: ClinVar variation 5034712 (VCV005034712.1).